The following is an entry in ClinVar:

ClinVar aggregate classification (germline): Uncertain significance (1 of 4 stars; one submission).

Conditions:
EGFR-related lung cancer (EGFR). Identifiers: MedGen CN130014.

Submission:

Labcorp Genetics (formerly Invitae), Labcorp
Classification: Uncertain significance for EGFR-related lung cancer. Last evaluated: 2024-12-12. Review status: criteria provided, single submitter. Criteria: Invitae Variant Classification Sherloc (09022015). Collection method: clinical testing. Allele origin: germline.
Comment: This sequence change replaces cysteine, which is neutral and slightly polar, with tyrosine, which is neutral and polar, at codon 362 of the EGFR protein (p.Cys362Tyr). This variant is not present in population databases (gnomAD no frequency). This variant has not been reported in the literature in individuals affected with EGFR-related conditions. Invitae Evidence Modeling of protein sequence and biophysical properties (such as structural, functional, and spatial information, amino acid conservation, physicochemical variation, residue mobility, and thermodynamic stability) indicates that this missense variant is expected to disrupt EGFR protein function with a positive predictive value of 80%. In summary, the available evidence is currently insufficient to determine the role of this variant in disease. Therefore, it has been classified as a Variant of Uncertain Significance.

NM_005228.5(EGFR):c.1085G>A (p.Cys362Tyr)

Genes: EGFR (epidermal growth factor receptor; plus strand), LOC126860048 (P300/CBP strongly-dependent group 1 enhancer GRCh37_chr7:55223847-55225046; plus strand). Cytogenetic location: 7p11.2.
Variant type: single nucleotide variant.
Coding change: c.1085G>A on transcript NM_005228.5 (MANE Select); coding-DNA position 1085, G replaced by A.
Protein change: p.Cys362Tyr; replaces cysteine 362 with tyrosine.
Molecular consequence: missense variant.
Genome position (GRCh38, 1-based): chr7:55,156,611, G>A. VCF-style: chr7-55156611-G-A. GRCh37 (hg19) VCF-style: chr7-55224304-G-A.
Other names: c.950G>A, p.Cys317Tyr (NM_001346899.2, NM_001346897.2); c.926G>A, p.Cys309Tyr (NM_001346900.2); c.284G>A, p.Cys95Tyr (NM_001346941.2); c.1085G>A, p.Cys362Tyr (NM_201282.2, NM_201283.2, NM_201284.2 and 1 more transcripts); short protein forms C317Y, C95Y, C309Y, C362Y.
Identifiers: ClinVar variation 3666340 (VCV003666340.2).